The following is an entry in ClinVar:

ClinVar aggregate classification (germline): Uncertain significance (1 of 4 stars; one submission).

Conditions:
Developmental delay. Also called: Delayed development. Identifiers: MedGen C0424605.
Refractory epilepsy. Also called: Intractable epilepsy. Identifiers: MedGen C1096063.

Submission:

Clinical Genetics Laboratory, Skane University Hospital Lund
Classification: Uncertain significance for Refractory epilepsy; Developmental delay. Last evaluated: 2025-08-13. Review status: criteria provided, single submitter. Criteria: ACMG Guidelines, 2015. Collection method: clinical testing. Allele origin: de novo. Inheritance: Autosomal dominant inheritance. Affected: yes.
Comment: PS2_moderate, PM2, PP3.

NM_001033044.4(GLUL):c.491G>A (p.Gly164Asp)

Genes: GLUL (glutamate-ammonia ligase; minus strand), LOC126805944 (CDK7 strongly-dependent group 2 enhancer GRCh37_chr1:182354799-182355998; plus strand). Cytogenetic location: 1q25.3.
Variant type: single nucleotide variant.
Coding change: c.491G>A on transcript NM_001033044.4 (MANE Select); coding-DNA position 491, G replaced by A.
Protein change: p.Gly164Asp; replaces glycine 164 with aspartic acid.
Molecular consequence: missense variant.
Genome position (GRCh38, 1-based): chr1:182,385,872, C>T on the plus strand (G>A on the coding strand, the complement: GLUL is on the minus strand). VCF-style: chr1-182385872-C-T. GRCh37 (hg19) VCF-style: chr1-182355007-C-T.
Other names: c.491G>A, p.Gly164Asp (NM_001033056.4, NM_002065.7); short protein forms G164D.
Identifiers: ClinVar variation 4074311 (VCV004074311.1).